The following is an entry in ClinVar:

NM_004329.3(BMPR1A):c.541A>G (p.Lys181Glu)

Gene: BMPR1A (bone morphogenetic protein receptor type 1A; plus strand). Cytogenetic location: 10q23.2.
Variant type: single nucleotide variant.
Coding change: c.541A>G on transcript NM_004329.3 (MANE Select); coding-DNA position 541, A replaced by G.
Protein change: p.Lys181Glu; replaces lysine 181 with glutamic acid.
Molecular consequence: missense variant.
Genome position (GRCh38, 1-based): chr10:86,912,250, A>G. VCF-style: chr10-86912250-A-G. GRCh37 (hg19) VCF-style: chr10-88672007-A-G.
Other names: short protein forms K181E.
Identifiers: ClinVar variation 1686507 (VCV001686507.4), dbSNP rs2133543692, ClinGen allele CA377454106.

ClinVar aggregate classification (germline): Uncertain significance. Review status: criteria provided, multiple submitters, no conflicts (2 of 4 stars). 2 submissions from 2 submitters: Uncertain significance (2). Last evaluated 2023-03-29.

Conditions:
Juvenile polyposis syndrome (JPS). Identifiers: Orphanet 2929, MedGen C0345893, MONDO:0017380, OMIM 174900.

Submissions (2):

Labcorp Genetics (formerly Invitae), Labcorp
Classification: Uncertain significance for Juvenile polyposis syndrome. Last evaluated: 2023-03-29. Review status: criteria provided, single submitter. Criteria: Invitae Variant Classification Sherloc (09022015). Collection method: clinical testing. Allele origin: germline.
Comment: In summary, the available evidence is currently insufficient to determine the role of this variant in disease. Therefore, it has been classified as a Variant of Uncertain Significance. Advanced modeling of protein sequence and biophysical properties (such as structural, functional, and spatial information, amino acid conservation, physicochemical variation, residue mobility, and thermodynamic stability) performed at Invitae indicates that this missense variant is not expected to disrupt BMPR1A protein function. ClinVar contains an entry for this variant (Variation ID: 1686507). This variant has not been reported in the literature in individuals affected with BMPR1A-related conditions. This variant is not present in population databases (gnomAD no frequency). This sequence change replaces lysine, which is basic and polar, with glutamic acid, which is acidic and polar, at codon 181 of the BMPR1A protein (p.Lys181Glu).

Mendelics
Classification: Uncertain significance. Last evaluated: 2022-05-04. Review status: criteria provided, single submitter. Criteria: Mendelics Assertion Criteria 2019. Collection method: clinical testing. Allele origin: germline.